The following is an entry in ClinVar:

NM_016239.4(MYO15A):c.7468G>A (p.Ala2490Thr)

Gene: MYO15A (myosin XVA; plus strand). Cytogenetic location: 17p11.2.
Variant type: single nucleotide variant.
Coding change: c.7468G>A on transcript NM_016239.4 (MANE Select); coding-DNA position 7468, G replaced by A.
Protein change: p.Ala2490Thr; replaces alanine 2490 with threonine.
Molecular consequence: missense variant.
Genome position (GRCh38, 1-based): chr17:18,150,908, G>A. VCF-style: chr17-18150908-G-A. GRCh37 (hg19) VCF-style: chr17-18054222-G-A.
Other names: short protein forms A2490T.
Identifiers: ClinVar variation 45759 (VCV000045759.18), dbSNP rs16960959, ClinGen allele CA137006.

ClinVar aggregate classification (germline): Benign. Review status: criteria provided, multiple submitters, no conflicts (2 of 4 stars). 6 submissions from 6 submitters: Benign (6). Last evaluated 2026-02-03.

Conditions:
Autosomal recessive nonsyndromic hearing loss 3. Also called: NEUROSENSORY NONSYNDROMIC RECESSIVE DEAFNESS 3. Identifiers: Orphanet 90636, MedGen C1838263, MONDO:0010860, OMIM 600316.

Allele frequency attached by ClinVar (database versions not stated): ExAC 0.01711; gnomAD 0.03639 and 0.03924; ESP Exome Variant Server 0.03730; TOPMed 0.04016; 1000 Genomes Project 0.04173; 1000 Genomes Project 30x 0.04388.
gnomAD v4.1: 10,641 of 1,601,094 alleles (0.66%); highest among the groups gnomAD compares: African/African-American, 12%; 605 homozygotes.

Submissions (6):

Labcorp Genetics (formerly Invitae), Labcorp
Classification: Benign. Last evaluated: 2026-02-03. Review status: criteria provided, single submitter. Criteria: Invitae Variant Classification Sherloc (09022015). Collection method: clinical testing. Allele origin: germline.

Mayo Clinic Laboratories, Mayo Clinic
Classification: Benign. Last evaluated: 2022-08-12. Review status: criteria provided, single submitter. Criteria: ACMG Guidelines, 2015. Collection method: clinical testing. Allele origin: germline. Observed: 6 variant alleles.

Illumina Laboratory Services, Illumina
Classification: Benign for Autosomal recessive nonsyndromic hearing loss 3. Last evaluated: 2018-01-12. Review status: criteria provided, single submitter. Criteria: ICSL Variant Classification Criteria 13 December 2019. Collection method: clinical testing. Allele origin: germline.
Comment: This variant was observed in the ICSL laboratory as part of a predisposition screen in an ostensibly healthy population. It had not been previously curated by ICSL or reported in the Human Gene Mutation Database (HGMD: prior to June 1st, 2018), and was therefore a candidate for classification through an automated scoring system. Utilizing variant allele frequency, disease prevalence and penetrance estimates, and inheritance mode, an automated score was calculated to assess if this variant is too frequent to cause the disease. Based on the score and internal cut-off values, a variant classified as benign is not then subjected to further curation. The score for this variant resulted in a classification of benign for this disease.

GeneDx
Classification: Benign. Last evaluated: 2017-10-05. Review status: criteria provided, single submitter. Criteria: GeneDx Variant Classification (06012015). Collection method: clinical testing. Allele origin: germline. Affected: yes.
Comment: This variant is considered likely benign or benign based on one or more of the following criteria: it is a conservative change, it occurs at a poorly conserved position in the protein, it is predicted to be benign by multiple in silico algorithms, and/or has population frequency not consistent with disease.

Laboratory for Molecular Medicine, Mass General Brigham Personalized Medicine
Classification: Benign. Last evaluated: 2012-05-07. Review status: criteria provided, single submitter. Criteria: LMM Criteria. Collection method: clinical testing. Allele origin: germline. Observed: 48 variant alleles.
Comment: Ala2490Thr in Exon 38 of MYO15A: This variant is not expected to have clinical s ignificance because it has been identified in 11.0% (370/3368) of African Americ an chromosomes from a broad population by the NHLBI Exome Sequencing Project (dbSNP rs16960959).

Breakthrough Genomics
Classification: Benign. Review status: criteria provided, single submitter. Criteria: ACMG Guidelines, 2015. Collection method: not provided. Allele origin: germline. Inheritance: Autosomal recessive inheritance. Affected: yes.